The following is an entry in ClinVar:

ClinVar aggregate classification (germline): Uncertain significance. Review status: criteria provided, multiple submitters, no conflicts (2 of 4 stars). 3 submissions from 3 submitters: Uncertain significance (3). Last evaluated 2025-09-01.

Conditions:
Inborn genetic diseases. Identifiers: MedGen C0950123, MeSH D030342.
Short-rib thoracic dysplasia 6 with or without polydactyly (SRTD6). Also called: Majewski Syndrome; SHORT RIB-POLYDACTYLY SYNDROME, TYPE IIA; POLYDACTYLY WITH NEONATAL CHONDRODYSTROPHY, TYPE II; SHORT-RIB THORACIC DYSPLASIA 6 WITH POLYDACTYLY; SHORT-RIB THORACIC DYSPLASIA 6 WITHOUT POLYDACTYLY. Identifiers: MedGen C0024507, MONDO:0009894, OMIM 263520.

Allele frequency attached by ClinVar (database versions not stated): ExAC 0.00001; gnomAD 0.00001; TOPMed 0.00003; gnomAD exomes 0.00004.
gnomAD v4.1: 12 of 1,613,710 alleles (0.00074%); highest among the groups gnomAD compares: Admixed American, 0.02%; no homozygotes.

Submissions (3):

Labcorp Genetics (formerly Invitae), Labcorp
Classification: Uncertain significance for Short-rib thoracic dysplasia 6 with or without polydactyly. Last evaluated: 2025-09-01. Review status: criteria provided, single submitter. Criteria: Invitae Variant Classification Sherloc (09022015). Collection method: clinical testing. Allele origin: germline.
Comment: This sequence change replaces alanine, which is neutral and non-polar, with threonine, which is neutral and polar, at codon 1159 of the NEK1 protein (p.Ala1159Thr). This variant is present in population databases (rs772991635, gnomAD 0.03%). This variant has not been reported in the literature in individuals affected with NEK1-related conditions. ClinVar contains an entry for this variant (Variation ID: 1053225). Invitae Evidence Modeling of protein sequence and biophysical properties (such as structural, functional, and spatial information, amino acid conservation, physicochemical variation, residue mobility, and thermodynamic stability) indicates that this missense variant is not expected to disrupt NEK1 protein function with a negative predictive value of 80%. In summary, the available evidence is currently insufficient to determine the role of this variant in disease. Therefore, it has been classified as a Variant of Uncertain Significance.

Ambry Genetics
Classification: Uncertain significance for Inborn genetic diseases. Last evaluated: 2025-06-03. Review status: criteria provided, single submitter. Criteria: Ambry Variant Classification Scheme 2023. Collection method: clinical testing. Allele origin: germline.

ARUP Laboratories, Molecular Genetics and Genomics, ARUP Laboratories
Classification: Uncertain significance. Last evaluated: 2023-09-06. Review status: criteria provided, single submitter. Criteria: ARUP Molecular Germline Variant Investigation Process 2024. Collection method: clinical testing. Allele origin: germline.

NM_001199397.3(NEK1):c.3559G>A (p.Ala1187Thr)

Gene: NEK1 (NIMA related kinase 1; minus strand). Cytogenetic location: 4q33.
Variant type: single nucleotide variant.
Coding change: c.3559G>A on transcript NM_001199397.3 (MANE Select); coding-DNA position 3559, G replaced by A.
Protein change: p.Ala1187Thr; replaces alanine 1187 with threonine.
Molecular consequence: missense variant. On other transcripts: non-coding transcript variant (1).
Genome position (GRCh38, 1-based): chr4:169,401,676, C>T on the plus strand (G>A on the coding strand, the complement: NEK1 is on the minus strand). VCF-style: chr4-169401676-C-T. GRCh37 (hg19) VCF-style: chr4-170322827-C-T.
Other names: c.3427G>A, p.Ala1143Thr (NM_001199398.3); c.3268G>A, p.Ala1090Thr (NM_001199399.3); c.3343G>A, p.Ala1115Thr (NM_001199400.3); c.3559G>A, p.Ala1187Thr (NM_001374418.1); c.3475G>A, p.Ala1159Thr (NM_001374419.1, NM_012224.4); c.3424G>A, p.Ala1142Thr (NM_001374420.1); c.3076G>A, p.Ala1026Thr (NM_001374421.1); c.3475G>A (NM_012224.2); short protein forms A1026T, A1090T, A1115T, A1142T, A1143T, A1159T, A1187T.
Identifiers: ClinVar variation 1053225 (VCV001053225.11), dbSNP rs772991635, ClinGen allele CA3137143.